The following is an entry in ClinVar:

NM_001292063.2(OTOG):c.3312G>A (p.Gly1104=)

Gene: OTOG (otogelin; plus strand). Cytogenetic location: 11p15.1.
Variant type: single nucleotide variant.
Coding change: c.3312G>A on transcript NM_001292063.2 (MANE Select); coding-DNA position 3312, G replaced by A.
Protein change: p.Gly1104=; no amino-acid change (glycine 1104 retained).
Molecular consequence: synonymous variant.
Genome position (GRCh38, 1-based): chr11:17,594,070, G>A. VCF-style: chr11-17594070-G-A. GRCh37 (hg19) VCF-style: chr11-17615617-G-A.
Other names: c.3348G>A, p.Gly1116= (NM_001277269.2).
Identifiers: ClinVar variation 3052888 (VCV003052888.2), dbSNP rs1004131940, ClinGen allele CA218460465.
Genomic context (GRCh38, chr11:17,594,070, plus strand): 5'-GGCCTGCAACTGACCATGGTGTCCTCTCTCCTTTCAGGGCCAGCTGGCGGGCCTCTGTGG[G>A]AACTTTGACTTAAAAACCATCAATGAGATGAGGACCCCGGAGAACCTAGAGCTAACTAAC-3'
Protein context (NP_001278992.1, residues 1094-1114): QWQGQLAGLC[Gly1104=]NFDLKTINEM

ClinVar aggregate classification (germline): Likely benign (0 of 4 stars; one submission).

Conditions:
OTOG-related disorder. Also called: OTOG-related condition.

gnomAD v4.1: 7 of 1,550,548 alleles (0.00045%); highest among the groups gnomAD compares: Non-Finnish European, 0.00061%; no homozygotes.

Submission:

PreventionGenetics, part of Exact Sciences
Classification: Likely benign for OTOG-related condition. Last evaluated: 2019-09-05. Review status: no assertion criteria provided. Collection method: clinical testing. Allele origin: germline.
Comment: This variant is classified as likely benign based on ACMG/AMP sequence variant interpretation guidelines (Richards et al. 2015 PMID: 25741868, with internal and published modifications).